The following is an entry in ClinVar:

NM_018129.4(PNPO):c.493A>G (p.Ser165Gly)

Gene: PNPO (pyridoxamine 5'-phosphate oxidase; plus strand). Cytogenetic location: 17q21.32.
Variant type: single nucleotide variant.
Coding change: c.493A>G on transcript NM_018129.4 (MANE Select); coding-DNA position 493, A replaced by G.
Protein change: p.Ser165Gly; replaces serine 165 with glycine.
Molecular consequence: missense variant.
Genome position (GRCh38, 1-based): chr17:47,945,936, A>G. VCF-style: chr17-47945936-A-G. GRCh37 (hg19) VCF-style: chr17-46023302-A-G.
Other names: p.S165G:AGC>GGC; short protein forms S165G.
Identifiers: ClinVar variation 206447 (VCV000206447.2), dbSNP rs775306202, ClinGen allele CA316559.

ClinVar aggregate classification (germline): Uncertain significance (1 of 4 stars; one submission).

Allele frequency attached by ClinVar (database versions not stated): gnomAD exomes 0.00001; ExAC 0.00001.
gnomAD v4.1: 8 of 1,614,044 alleles (0.0005%); highest among the groups gnomAD compares: South Asian, 0.0088%; no homozygotes.

Submission:

GeneDx
Classification: Uncertain significance. Last evaluated: 2014-03-19. Review status: criteria provided, single submitter. Criteria: GeneDx Variant Classification (06012015). Collection method: clinical testing. Allele origin: germline. Affected: yes.
Comment: p.Ser165Gly (AGC>GGC): c.493 A>G in exon 5 of the PNPO gene (NM_018129.3). The S165G variant has not been published as a mutation, nor has it been reported as a benign polymorphism to our knowledge. It was not observed in approximately 6,500 individuals of European and African American ancestry in the NHLBI Exome Sequencing Project, indicating it is not a common benign variant in these populations. The S165G variant is a non-conservative amino acid substitution, which is likely to impact secondary protein structure as these residues differ in polarity, charge, size and/or other properties. This substitution occurs at a position that is conserved across species. In silico analysis predicts this variant is probably damaging to the protein structure/function. Therefore, based on the currently available information, it is unclear whether this variant is a pathogenic mutation or a rare benign variant. The variant is found in EPILEPSY panel(s).